The following is an entry in ClinVar:

ClinVar aggregate classification (germline): Uncertain significance (1 of 4 stars; one submission).

Conditions:
Congenital prothrombin deficiency. Also called: Inherited hypoprothrombinemia; Congenital factor II deficiency; Inherited prothrombin deficiency; HYPOPROTHROMBINEMIA; Factor II deficiency; Hereditary factor II deficiency disease. Identifiers: Orphanet 325, MedGen C0272317, MONDO:0013361, OMIM 613679.
Thrombophilia due to thrombin defect (THPH1). Also called: Thrombosis susceptibility; THROMBOPHILIA DUE TO FACTOR 2 DEFECT; Prothrombin-Related Thrombophilia (Factor II); Prothrombin Thrombophilia. Identifiers: MedGen C3160733, MONDO:0008559, OMIM 188050. Disease mechanism: gain of function, loss of function.
Pregnancy loss, recurrent, susceptibility to, 2 (RPRGL2). Identifiers: MedGen C3280672, MONDO:0013728, OMIM 614390.
Ischemic stroke. Also called: Ischemic stroke, susceptibility to; CEREBROVASCULAR ACCIDENT. Identifiers: MedGen C0948008, MONDO:1060198, OMIM 601367, HP:0002140.

Submission:

Juno Genomics, Hangzhou Juno Genomics, Inc
Classification: Uncertain significance for Pregnancy loss, recurrent, susceptibility to, 2; Ischemic stroke; Congenital prothrombin deficiency; Thrombophilia due to thrombin defect. Review status: criteria provided, single submitter. Criteria: ACMG Guidelines, 2015. Collection method: clinical testing. Allele origin: germline.
Comment: Absent from controls (or at extremely low frequency if recessive) in Genome Aggregation Database.;Multiple lines of computational evidence support a deleterious effect on the gene or gene product.

NM_000506.5(F2):c.792C>A (p.Asn264Lys)

Gene: F2 (coagulation factor II, thrombin; plus strand). Cytogenetic location: 11p11.2.
Variant type: single nucleotide variant.
Coding change: c.792C>A on transcript NM_000506.5 (MANE Select); coding-DNA position 792, C replaced by A.
Protein change: p.Asn264Lys; replaces asparagine 264 with lysine.
Molecular consequence: missense variant.
Genome position (GRCh38, 1-based): chr11:46,726,091, C>A. VCF-style: chr11-46726091-C-A. GRCh37 (hg19) VCF-style: chr11-46747641-C-A.
Other names: short protein forms N264K.
Identifiers: ClinVar variation 5007870 (VCV005007870.2).
Genomic context (GRCh38, chr11:46,726,091, plus strand): 5'-CCTGAGCAAGCACCAGGACTTCAACTCAGCTGTGCAGCTGGTGGAGAACTTCTGCCGCAA[C>A]CCAGACGGGGATGAGGAGGGCGTGTGGTGCTATGTGGCCGGGAAGCCTGGCGACTTTGGG-3'
Protein context (NP_000497.1, residues 254-274): AVQLVENFCR[Asn264Lys]PDGDEEGVWC